The following is an entry in ClinVar:

ClinVar aggregate classification (germline): Uncertain significance (1 of 4 stars; one submission).

Conditions:
Succinate-semialdehyde dehydrogenase deficiency (SSADHD). Also called: Succinic Semialdehyde Dehydrogenase Deficiency; SSADH DEFICIENCY; GABA METABOLIC DEFECT; 4-HYDROXYBUTYRIC ACIDURIA. Identifiers: Orphanet 22, MedGen C0268631, MONDO:0010083, OMIM 271980.

Allele frequency attached by ClinVar (database versions not stated): TOPMed below 0.00001; gnomAD 0.00001.
gnomAD v4.1: 5 of 1,503,234 alleles (0.00033%); highest among the groups gnomAD compares: Non-Finnish European, 0.00044%; no homozygotes.

Submission:

Labcorp Genetics (formerly Invitae), Labcorp
Classification: Uncertain significance for Succinate-semialdehyde dehydrogenase deficiency. Last evaluated: 2025-03-01. Review status: criteria provided, single submitter. Criteria: Invitae Variant Classification Sherloc (09022015). Collection method: clinical testing. Allele origin: germline.
Comment: This sequence change replaces serine, which is neutral and polar, with arginine, which is basic and polar, at codon 63 of the ALDH5A1 protein (p.Ser63Arg). This variant is not present in population databases (gnomAD no frequency). This variant has not been reported in the literature in individuals affected with ALDH5A1-related conditions. ClinVar contains an entry for this variant (Variation ID: 1414847). Invitae Evidence Modeling of protein sequence and biophysical properties (such as structural, functional, and spatial information, amino acid conservation, physicochemical variation, residue mobility, and thermodynamic stability) has been performed for this missense variant. However, the output from this modeling did not meet the statistical confidence thresholds required to predict the impact of this variant on ALDH5A1 protein function. In summary, the available evidence is currently insufficient to determine the role of this variant in disease. Therefore, it has been classified as a Variant of Uncertain Significance.

NM_001080.3(ALDH5A1):c.189C>G (p.Ser63Arg)

Genes: ALDH5A1 (aldehyde dehydrogenase 5 family member A1; plus strand), GPLD1 (glycosylphosphatidylinositol specific phospholipase D1; minus strand), LOC129995978 (ATAC-STARR-seq lymphoblastoid silent region 16989; plus strand). Cytogenetic location: 6p22.3.
Variant type: single nucleotide variant.
Coding change: c.189C>G on transcript NM_001080.3 (MANE Select); coding-DNA position 189, C replaced by G.
Protein change: p.Ser63Arg; replaces serine 63 with arginine.
Molecular consequence: missense variant.
Genome position (GRCh38, 1-based): chr6:24,495,185, C>G. VCF-style: chr6-24495185-C-G. GRCh37 (hg19) VCF-style: chr6-24495413-C-G.
Other names: c.189C>G, p.Ser63Arg (NM_001368954.1, NM_170740.1); short protein forms S63R.
Identifiers: ClinVar variation 1414847 (VCV001414847.8), dbSNP rs1288315589, ClinGen allele CA362968401.